The following is an entry in ClinVar:

NM_001364905.1(LRBA):c.5550T>C (p.Val1850=)

Gene: LRBA (LPS responsive beige-like anchor protein; minus strand). Cytogenetic location: 4q31.3.
Variant type: single nucleotide variant.
Coding change: c.5550T>C on transcript NM_001364905.1 (MANE Select); coding-DNA position 5550, T replaced by C.
Protein change: p.Val1850=; no amino-acid change (valine 1850 retained).
Molecular consequence: synonymous variant.
Genome position (GRCh38, 1-based): chr4:150,798,111, A>G on the plus strand (T>C on the coding strand, the complement: LRBA is on the minus strand). VCF-style: chr4-150798111-A-G. GRCh37 (hg19) VCF-style: chr4-151719263-A-G.
Other names: p.Val1850=; c.5550T>C, p.Val1850= (NM_001199282.3, NM_001367550.1, NM_006726.5).
Identifiers: ClinVar variation 403050 (VCV000403050.19), dbSNP rs1129998, ClinGen allele CA3102445.

ClinVar aggregate classification (germline): Benign/Likely benign. Review status: criteria provided, multiple submitters, no conflicts (2 of 4 stars). 8 submissions from 8 submitters: Benign (7); Likely benign (1). Last evaluated 2026-02-04.

Conditions:
Combined immunodeficiency due to LRBA deficiency. Also called: Common variable immunodeficiency 8, with autoimmunity. Identifiers: Orphanet 445018, MedGen C3553512, MONDO:0013863, OMIM 614700.

Allele frequency attached by ClinVar (database versions not stated): 1000 Genomes Project 30x 0.11680; 1000 Genomes Project 0.12081; TOPMed 0.15752; gnomAD 0.17067 and 0.17226; ESP Exome Variant Server 0.17508; gnomAD exomes 0.18334 and 0.22427; ExAC 0.18415.
gnomAD v4.1: 350,127 of 1,603,866 alleles (22%); highest among the groups gnomAD compares: Non-Finnish European, 24%; 41,972 homozygotes.

Submissions (8):

Labcorp Genetics (formerly Invitae), Labcorp
Classification: Benign for Combined immunodeficiency due to LRBA deficiency. Last evaluated: 2026-02-04. Review status: criteria provided, single submitter. Criteria: Invitae Variant Classification Sherloc (09022015). Collection method: clinical testing. Allele origin: germline.

Women's Health and Genetics/Laboratory Corporation of America, LabCorp
Classification: Benign. Last evaluated: 2026-01-21. Review status: criteria provided, single submitter. Criteria: LabCorp Variant Classification Summary - May 2015. Collection method: clinical testing. Allele origin: germline.

Blueprint Genetics
Classification: Likely benign. Last evaluated: 2024-11-26. Review status: criteria provided, single submitter. Criteria: ACMG Guidelines, 2015. Collection method: clinical testing. Allele origin: germline.

Unidad de Genómica Garrahan, Hospital de Pediatría Garrahan
Classification: Benign. Last evaluated: 2023-11-12. Review status: criteria provided, single submitter. Criteria: ACMG Guidelines, 2015. Collection method: clinical testing. Allele origin: germline. Affected: no. Observed: 29 variant alleles.
Comment: This variant is classified as Benign based on local population frequency. This variant was detected in 30% of patients studied by a panel of primary immunodeficiencies. Number of patients: 29. Only high quality variants are reported.

GeneDx
Classification: Benign. Last evaluated: 2021-06-09. Review status: criteria provided, single submitter. Criteria: GeneDx Variant Classification Process June 2021. Collection method: clinical testing. Allele origin: germline. Affected: yes.

Mayo Clinic Laboratories, Mayo Clinic
Classification: Benign. Last evaluated: 2016-09-30. Review status: criteria provided, single submitter. Criteria: ACMG Guidelines, 2015. Collection method: clinical testing. Allele origin: germline. Observed: 394 variant alleles.

Laboratory for Molecular Medicine, Mass General Brigham Personalized Medicine
Classification: Benign. Last evaluated: 2016-03-29. Review status: criteria provided, single submitter. Criteria: LMM Criteria. Collection method: clinical testing. Allele origin: germline.
Comment: Variant identified in a genome or exome case(s) and assessed due to predicted null impact of the variant or pathogenic assertions in the literature or databases. Disclaimer: This variant has not undergone full assessment. The following are preliminary notes: Frequency

Breakthrough Genomics
Classification: Benign. Review status: criteria provided, single submitter. Criteria: ACMG Guidelines, 2015. Collection method: not provided. Allele origin: germline. Inheritance: Autosomal recessive inheritance. Affected: yes.